The following is an entry in ClinVar:

NM_000383.4(AIRE):c.1302C>A (p.Cys434Ter)

Gene: AIRE (autoimmune regulator; plus strand). Cytogenetic location: 21q22.3.
Variant type: single nucleotide variant.
Coding change: c.1302C>A on transcript NM_000383.4 (MANE Select); coding-DNA position 1302, C replaced by A.
Protein change: p.Cys434Ter; replaces cysteine 434 with a stop codon.
Molecular consequence: nonsense.
Genome position (GRCh38, 1-based): chr21:44,293,812, C>A. VCF-style: chr21-44293812-C-A. GRCh37 (hg19) VCF-style: chr21-45713695-C-A.
Other names: short protein forms C434*.
Identifiers: ClinVar variation 2737003 (VCV002737003.3), dbSNP rs370969296, ClinGen allele CA410425650.
Genomic context (GRCh38, chr21:44,293,812, plus strand): 5'-GGCCCCCCGCGTCACCCCGCGCTGTTGCCTCCCACAGAACCTGGCTCCTGGTGCGCGTTG[C>A]GGGGTGTGCGGAGATGGTACGGACGTGCTGCGGTGTACTCACTGCGCCGCTGCCTTCCAC-3'

ClinVar aggregate classification (germline): Pathogenic (1 of 4 stars; one submission).

Conditions:
Polyglandular autoimmune syndrome, type 1 (APS1). Also called: APS I; Autoimmune polyendocrine syndrome type 1; Whitaker syndrome; HYPOADRENOCORTICISM WITH HYPOPARATHYROIDISM AND SUPERFICIAL MONILIASIS; Autoimmune polyendocrinopathy syndrome, type I; PGA I. Identifiers: Orphanet 3453, MedGen C0085859, MONDO:0009411, OMIM 240300.

gnomAD v4.1: 3 of 1,596,656 alleles (0.00019%); highest among the groups gnomAD compares: East Asian, 0.0022%; no homozygotes.

Submission:

Labcorp Genetics (formerly Invitae), Labcorp
Classification: Pathogenic for Polyglandular autoimmune syndrome, type 1. Last evaluated: 2023-10-27. Review status: criteria provided, single submitter. Criteria: Invitae Variant Classification Sherloc (09022015). Collection method: clinical testing. Allele origin: germline.
Comment: This sequence change creates a premature translational stop signal (p.Cys434*) in the AIRE gene. It is expected to result in an absent or disrupted protein product. Loss-of-function variants in AIRE are known to be pathogenic (PMID: 11524731, 26141571). This variant is present in population databases (no rsID available, gnomAD 0.006%). This premature translational stop signal has been observed in individual(s) with autosmal recessive autoimmune polyendocrinopathy syndrome (PMID: 28911151). For these reasons, this variant has been classified as Pathogenic.

Literature cited by the submitters: PubMed 11524731; PubMed 26141571; PubMed 28911151.